The following is an entry in ClinVar:

NM_000051.4(ATM):c.8272del (p.Val2758fs)

Genes: ATM (ATM serine/threonine kinase; plus strand), C11orf65 (chromosome 11 open reading frame 65; minus strand). Cytogenetic location: 11q22.3.
Variant type: Deletion.
Coding change: c.8272del on transcript NM_000051.4 (MANE Select); coding-DNA position 8272, one base deleted (G; older notation c.8272delG).
Protein change: p.Val2758fs; shifts the reading frame from valine 2758.
Molecular consequence: frameshift variant. On other transcripts: intron variant (2).
Genome position (GRCh38, 1-based): chr11:108,343,225, G deleted; the last of 2 consecutive G bases (chr11:108,343,224-108,343,225); deleting either gives the same sequence. VCF-style (leftmost placement, unchanged base first): chr11-108343223-TG-T. GRCh37 (hg19) VCF-style: chr11-108213950-TG-T.
Other names: c.641-34153del (NM_001330368.2); c.695-7932del (NM_001351110.2); c.8272del, p.Val2758fs (NM_001351834.2); short protein forms V2758fs.
Identifiers: ClinVar variation 3451410 (VCV003451410.1).

ClinVar aggregate classification (germline): Pathogenic (1 of 4 stars; one submission).

Conditions:
Hereditary cancer-predisposing syndrome. Also called: Tumor predisposition; Hereditary Cancer Syndrome; Neoplastic Syndromes, Hereditary; Hereditary neoplastic syndrome. Identifiers: Orphanet 140162, MedGen C0027672, MeSH D009386, MONDO:0015356.

Submission:

Ambry Genetics
Classification: Pathogenic for Hereditary cancer-predisposing syndrome. Last evaluated: 2024-10-03. Review status: criteria provided, single submitter. Criteria: Ambry Variant Classification Scheme 2023. Collection method: clinical testing. Allele origin: germline.
Comment: The c.8272delG pathogenic mutation, located in coding exon 56 of the ATM gene, results from a deletion of one nucleotide at nucleotide position 8272, causing a translational frameshift with a predicted alternate stop codon (p.V2758Ffs*48). This variant is considered to be rare based on population cohorts in the Genome Aggregation Database (gnomAD). This alteration is expected to result in loss of function by premature protein truncation or nonsense-mediated mRNA decay. As such, this alteration is interpreted as a disease-causing mutation.